The following is an entry in ClinVar:

ClinVar aggregate classification (germline): Likely pathogenic (1 of 4 stars; one submission).

Conditions:
Autosomal recessive polycystic kidney disease (ARPKD). Also called: AR polycystic kidney disease. Identifiers: Orphanet 731, Orphanet 8378, MedGen C0085548, MeSH D017044, MONDO:0009889.

Submission:

Labcorp Genetics (formerly Invitae), Labcorp
Classification: Likely pathogenic for Autosomal recessive polycystic kidney disease. Last evaluated: 2022-07-30. Review status: criteria provided, single submitter. Criteria: Invitae Variant Classification Sherloc (09022015). Collection method: clinical testing. Allele origin: germline.
Comment: Advanced modeling of protein sequence and biophysical properties (such as structural, functional, and spatial information, amino acid conservation, physicochemical variation, residue mobility, and thermodynamic stability) performed at Invitae indicates that this missense variant is expected to disrupt PKHD1 protein function. This missense change has been observed in individual(s) with clinical features of PKHD1-related conditions (Invitae). In at least one individual the data is consistent with being in trans (on the opposite chromosome) from a pathogenic variant. This variant is not present in population databases (gnomAD no frequency). This sequence change replaces asparagine, which is neutral and polar, with tyrosine, which is neutral and polar, at codon 3063 of the PKHD1 protein (p.Asn3063Tyr). In summary, the currently available evidence indicates that the variant is pathogenic, but additional data are needed to prove that conclusively. Therefore, this variant has been classified as Likely Pathogenic.

NM_138694.4(PKHD1):c.9187A>T (p.Asn3063Tyr)

Gene: PKHD1 (PKHD1 ciliary IPT domain containing fibrocystin/polyductin; minus strand). Cytogenetic location: 6p12.3.
Variant type: single nucleotide variant.
Coding change: c.9187A>T on transcript NM_138694.4 (MANE Select); coding-DNA position 9187, A replaced by T.
Protein change: p.Asn3063Tyr; replaces asparagine 3063 with tyrosine.
Molecular consequence: missense variant.
Genome position (GRCh38, 1-based): chr6:51,748,429, T>A on the plus strand (A>T on the coding strand, the complement: PKHD1 is on the minus strand). VCF-style: chr6-51748429-T-A. GRCh37 (hg19) VCF-style: chr6-51613227-T-A.
Other names: c.9187A>T, p.Asn3063Tyr (NM_170724.3); short protein forms N3063Y.
Identifiers: ClinVar variation 2020454 (VCV002020454.4), dbSNP rs2533826606, ClinGen allele CA364423103.
Genomic context (GRCh38, chr6:51,748,429, plus strand): 5'-CTTTGATTCCCGCCACCCAAATGGTGGACCACGCTGGCTGTGTCATCAGAACCACAAGGT[T>A]ATTAGTGACAGTATAGGCCTGACCCTCTAAATCTATGCCATGGCCAGCTGTGCCAAACAC-3'
Protein context (NP_619639.3, residues 3053-3073): LEGQAYTVTN[Asn3063Tyr]LVVLMTQPAW